The following is an entry in ClinVar:

NM_001353921.2(ARHGEF9):c.1078-18C>T

Gene: ARHGEF9 (Cdc42 guanine nucleotide exchange factor 9; minus strand). Cytogenetic location: Xq11.1.
Variant type: single nucleotide variant.
Coding change: c.1078-18C>T on transcript NM_001353921.2 (MANE Select); 18 bases into the intron before coding-DNA position 1078, C replaced by T.
Molecular consequence: intron variant.
Genome position (GRCh38, 1-based): chrX:63,655,755, G>A on the plus strand (C>T on the coding strand, the complement: ARHGEF9 is on the minus strand). VCF-style: chrX-63655755-G-A. GRCh37 (hg19) VCF-style: chrX-62875635-G-A.
Other names: c.993+10131C>T (NM_001369043.1, NM_001369044.1); c.994-18C>T (NM_001330495.2, NM_001369038.1, NM_001369037.1 and 4 more transcripts); c.1096-18C>T (NM_001353923.1); c.862-18C>T (NM_001369041.1, NM_001353927.2); c.877-18C>T (NM_001369040.1, NM_001369039.1, NM_001353926.2 and 1 more transcripts); c.1057-18C>T (NM_001369031.1, NM_001369030.1, NM_001369032.1 and 1 more transcripts); c.511-18C>T (NM_001369045.1); c.751-18C>T (NM_001173480.2, NM_001369042.1); and 3 more.
Identifiers: ClinVar variation 390234 (VCV000390234.6), dbSNP rs781901799, ClinGen allele CA16608894.

ClinVar aggregate classification (germline): Likely benign. Review status: criteria provided, multiple submitters, no conflicts (2 of 4 stars). 2 submissions from 2 submitters: Likely benign (2). Last evaluated 2022-10-31.

Conditions:
Developmental and epileptic encephalopathy, 8 (DEE8). Also called: HYPEREKPLEXIA AND EPILEPSY. Identifiers: Orphanet 163985, Orphanet 2076, MedGen C1845102, MONDO:0010375, OMIM 300607.

gnomAD v4.1: 22 of 1,205,083 alleles (0.0018%); highest among the groups gnomAD compares: Non-Finnish European, 0.0025%; no homozygotes.

Submissions (2):

Labcorp Genetics (formerly Invitae), Labcorp
Classification: Likely benign for Developmental and epileptic encephalopathy, 8. Last evaluated: 2022-10-31. Review status: criteria provided, single submitter. Criteria: Invitae Variant Classification Sherloc (09022015). Collection method: clinical testing. Allele origin: germline.

GeneDx
Classification: Likely benign. Last evaluated: 2016-10-21. Review status: criteria provided, single submitter. Criteria: GeneDx Variant Classification (06012015). Collection method: clinical testing. Allele origin: germline. Affected: yes.
Comment: This variant is considered likely benign or benign based on one or more of the following criteria: it is a conservative change, it occurs at a poorly conserved position in the protein, it is predicted to be benign by multiple in silico algorithms, and/or has population frequency not consistent with disease.